The following is an entry in ClinVar:

NM_004453.4(ETFDH):c.1130T>C (p.Leu377Pro)

Gene: ETFDH (electron transfer flavoprotein dehydrogenase; plus strand). Cytogenetic location: 4q32.1.
Variant type: single nucleotide variant.
Coding change: c.1130T>C on transcript NM_004453.4 (MANE Select); coding-DNA position 1130, T replaced by C.
Protein change: p.Leu377Pro; replaces leucine 377 with proline.
Molecular consequence: missense variant.
Genome position (GRCh38, 1-based): chr4:158,703,436, T>C. VCF-style: chr4-158703436-T-C. GRCh37 (hg19) VCF-style: chr4-159624588-T-C.
Other names: c.989T>C, p.Leu330Pro (NM_001281737.2); c.947T>C, p.Leu316Pro (NM_001281738.1); c.1130T>C (NM_004453.3); short protein forms L377P, L316P, L330P.
Identifiers: ClinVar variation 31601 (VCV000031601.45), dbSNP rs387907170, ClinGen allele CA129834.

ClinVar aggregate classification (germline): Pathogenic/Likely pathogenic. Review status: criteria provided, multiple submitters, no conflicts (2 of 4 stars). 11 submissions from 11 submitters: Pathogenic (9); Likely pathogenic (1). 1 of the submissions does not count toward it. Last evaluated 2025-12-23.

Conditions:
Glutaric acidemia type 2C.
Inborn genetic diseases. Identifiers: MedGen C0950123, MeSH D030342.
Glutaric acidemia iic, late-onset. Identifiers: MedGen C4016438.
Multiple acyl-CoA dehydrogenase deficiency (MADD). Also called: Glutaric acidemia type II; GA 2; Glutaric aciduria, type 2; Glutaric Acidemia type 2; ETHYLMALONIC-ADIPICACIDURIA; GA II. Identifiers: Orphanet 26791, MedGen C0268596, MONDO:0009282, OMIM 231680.

Allele frequency attached by ClinVar (database versions not stated): gnomAD exomes below 0.00001; ExAC 0.00001.
gnomAD v4.1: 2 of 1,611,286 alleles (0.00012%); highest among the groups gnomAD compares: Non-Finnish European, 0.000085%; no homozygotes.

Submissions (11):

Natera, Inc.
Classification: Pathogenic for Glutaric acidemia type 2C. Last evaluated: 2025-12-23. Review status: criteria provided, single submitter. Criteria: Natera Variant Classification Schema (03/2026). Collection method: clinical testing. Allele origin: germline.
Comment: The c.1130T>C variant in ETFDH is a missense variant predicted to cause substitution of leucine to proline at amino acid 377. This variant is rare in the general population with a frequency below the threshold expected for the associated phenotype(s). This variant has been observed in one or more individuals affected with the associated recessive disease, as either homozygous or compound heterozygous with a second variant (PMID: 32007756, 29376578). Computational prediction algorithms indicate this variant is likely to affect gene or protein function. Given the available evidence, this variant is classified as Pathogenic.

Fulgent Genetics
Classification: Pathogenic for Multiple acyl-CoA dehydrogenase deficiency. Last evaluated: 2024-05-16. Review status: criteria provided, single submitter. Criteria: ACMG Guidelines, 2015. Collection method: clinical testing. Allele origin: germline.

Women's Health and Genetics/Laboratory Corporation of America, LabCorp
Classification: Pathogenic for Multiple acyl-CoA dehydrogenase deficiency. Last evaluated: 2024-05-16. Review status: criteria provided, single submitter. Criteria: LabCorp Variant Classification Summary - May 2015. Collection method: clinical testing. Allele origin: germline.
Comment: Variant summary: ETFDH c.1130T>C (p.Leu377Pro) results in a non-conservative amino acid change in the encoded protein sequence. Five of five in-silico tools predict a damaging effect of the variant on protein function. The variant allele was found at a frequency of 4e-06 in 251294 control chromosomes. c.1130T>C has been reported in the literature in multiple individuals affected with Glutaric Aciduria, Type 2c (e.g., Nilipour_2020). These data indicate that the variant is very likely to be associated with disease. To our knowledge, no experimental evidence demonstrating an impact on protein function has been reported. The following publication has been ascertained in the context of this evaluation (PMID: 32007756). ClinVar contains an entry for this variant (Variation ID: 31601). Based on the evidence outlined above, the variant was classified as pathogenic.

Baylor Genetics
Classification: Pathogenic for Multiple acyl-CoA dehydrogenase deficiency. Last evaluated: 2023-12-19. Review status: criteria provided, single submitter. Criteria: ACMG Guidelines, 2015. Collection method: clinical testing. Allele origin: unknown.

Labcorp Genetics (formerly Invitae), Labcorp
Classification: Pathogenic for Multiple acyl-CoA dehydrogenase deficiency. Last evaluated: 2023-06-02. Review status: criteria provided, single submitter. Criteria: Invitae Variant Classification Sherloc (09022015). Collection method: clinical testing. Allele origin: germline.
Comment: This missense change has been observed in individual(s) with multiple Acyl-CoA dehydrogenase deficiency (PMID: 17412732, 29339009, 29376578, 31331668). This sequence change replaces leucine, which is neutral and non-polar, with proline, which is neutral and non-polar, at codon 377 of the ETFDH protein (p.Leu377Pro). This variant is present in population databases (rs387907170, gnomAD 0.0009%). ClinVar contains an entry for this variant (Variation ID: 31601). Advanced modeling of protein sequence and biophysical properties (such as structural, functional, and spatial information, amino acid conservation, physicochemical variation, residue mobility, and thermodynamic stability) performed at Invitae indicates that this missense variant is not expected to disrupt ETFDH protein function. For these reasons, this variant has been classified as Pathogenic.

Kariminejad - Najmabadi Pathology & Genetics Center
Classification: Likely pathogenic for Multiple acyl-CoA dehydrogenase deficiency. Last evaluated: 2022-08-18. Review status: criteria provided, single submitter. Criteria: ACMG Guidelines, 2015. Collection method: clinical testing. Allele origin: germline. Inheritance: Autosomal recessive inheritance. Affected: yes.
Comment: PM1, PM2, PP3, PP5

MGZ Medical Genetics Center
Classification: Pathogenic for Multiple acyl-CoA dehydrogenase deficiency. Last evaluated: 2022-06-17. Review status: criteria provided, single submitter. Criteria: ACMG Guidelines, 2015. Collection method: clinical testing. Allele origin: germline. Affected: yes. Observed: 1 variant allele.
Comment: ACMG criteria applied: PP1_STR, PS4_MOD, PM3, PM2_SUP, PP3, PP4

Genome-Nilou Lab
Classification: Pathogenic for Multiple acyl-CoA dehydrogenase deficiency. Last evaluated: 2021-07-22. Review status: criteria provided, single submitter. Criteria: ACMG Guidelines, 2015. Collection method: clinical testing. Allele origin: germline. Affected: no.

Institute of Human Genetics Munich, TUM University Hospital
Classification: Pathogenic for Multiple acyl-CoA dehydrogenase deficiency. Last evaluated: 2017-10-24. Review status: criteria provided, single submitter. Criteria: Classification criteria August 2017. Collection method: clinical testing. Allele origin: germline. Inheritance: Autosomal recessive inheritance. Affected: yes. Observed: 1 homozygote.

Ambry Genetics
Classification: Pathogenic for Inborn genetic diseases. Last evaluated: 2014-07-21. Review status: criteria provided, single submitter. Criteria: Ambry General Variant Classification Scheme_2022. Collection method: clinical testing. Allele origin: germline. Observed: 1 variant allele.
Comment: The c.1130T>C (p.L377P) alteration is located in exon 10 (coding exon 10) of the ETFDH gene. This alteration results from a T to C substitution at nucleotide position 1130, causing the leucine (L) at amino acid position 377 to be replaced by a proline (P). Based on data from the NHLBI Exome Sequencing Project (ESP), the c.1130T>C alteration was not observed among 6,503 individuals tested (0.0%). Allele frequency data for this nucleotide position are not currently available from the 1000 Genomes Project and the alteration is not currently listed in the Database of Single Nucleotide Polymorphisms (dbSNP). Though some variants may appear to be rare due to database-specific ethnic underrepresentation, rare missense alleles commonly exhibit a deleterious effect on protein function (Kryukov, 2007; Tennessen, 2012). REFERENCES: Kryukov GV, et al. (2007) Am J Hum Genet 80:727-739. Tennessen JA, et al. (2012) Science 337(64):64-69. Reported in association with CoQ10 deficiency (Gempel (2007) Brain 130, 2037). This amino acid position is completely conserved in available vertebrate species. This alteration is predicted to be probably damaging and deleterious by PolyPhen and SIFT in silico analyses, respectively. Based on the available evidence, this alteration is classified as pathogenic.

OMIM
Classification: Pathogenic for GLUTARIC ACIDEMIA IIC, LATE-ONSET. Last evaluated: 2007-08-01. Review status: no assertion criteria provided. Collection method: literature only. Allele origin: germline. Not counted in ClinVar's aggregate classification.

Literature cited by the submitters: PubMed 32007756 (cited by Natera, Inc. and Women's Health and Genetics/Laboratory Corporation of America, LabCorp); PubMed 29376578 (cited by Natera, Inc. and Labcorp Genetics (formerly Invitae), Labcorp); PubMed 17412732 (cited by Labcorp Genetics (formerly Invitae), Labcorp and OMIM); PubMed 29339009 (cited by Labcorp Genetics (formerly Invitae), Labcorp); PubMed 31331668 (cited by Labcorp Genetics (formerly Invitae), Labcorp); PubMed 16434667 (cited by OMIM).